The following is an entry in ClinVar:

ClinVar aggregate classification (germline): Conflicting classifications of pathogenicity. Review status: criteria provided, conflicting classifications (1 of 4 stars). 8 submissions from 8 submitters: Uncertain significance (3); Likely benign (4). 1 of the submissions does not count toward it. Last evaluated 2026-07-01.

Conditions:
Sulfite oxidase deficiency due to molybdenum cofactor deficiency type A. Also called: Molybdenum cofactor deficiency, complementation group A; Molybdenum Cofactor Deficiency A. Identifiers: Orphanet 308386, Orphanet 833, MedGen C1854988, MONDO:0009643, OMIM 252150.
MOCS1-related disorder. Also called: MOCS1-related condition.

Allele frequency attached by ClinVar (database versions not stated): TOPMed 0.00129; gnomAD exomes 0.00149 and 0.00185; ExAC 0.00150; gnomAD 0.00158 and 0.00159; 1000 Genomes Project 0.00160; 1000 Genomes Project 30x 0.00172; ESP Exome Variant Server 0.00238.
gnomAD v4.1: 2,943 of 1,613,824 alleles (0.18%); highest among the groups gnomAD compares: East Asian, 0.22%; 3 homozygotes.

Submissions (8):

CeGaT Center for Human Genetics Tuebingen
Classification: Likely benign. Last evaluated: 2026-07-01. Review status: criteria provided, single submitter. Criteria: CeGaT Center For Human Genetics Tuebingen Variant Classification Criteria Version 2. Collection method: clinical testing. Allele origin: germline. Affected: yes. Observed: 13 variant alleles.
Comment: MOCS1: BS2

Labcorp Genetics (formerly Invitae), Labcorp
Classification: Likely benign for Sulfite oxidase deficiency due to molybdenum cofactor deficiency type A. Last evaluated: 2026-02-04. Review status: criteria provided, single submitter. Criteria: Invitae Variant Classification Sherloc (09022015). Collection method: clinical testing. Allele origin: germline.

Blueprint Genetics
Classification: Likely benign. Last evaluated: 2024-11-19. Review status: criteria provided, single submitter. Criteria: ACMG Guidelines, 2015. Collection method: clinical testing. Allele origin: germline.

Women's Health and Genetics/Laboratory Corporation of America, LabCorp
Classification: Likely benign. Last evaluated: 2024-02-12. Review status: criteria provided, single submitter. Criteria: LabCorp Variant Classification Summary - May 2015. Collection method: clinical testing. Allele origin: germline.
Comment: Variant summary: MOCS1 c.1064T>C (p.Ile355Thr) results in a non-conservative amino acid change in the encoded protein sequence. Five of five in-silico tools predict a damaging effect of the variant on protein function. The variant allele was found at a frequency of 0.0018 in 1613824 control chromosomes in the gnomAD database, including 3 homozygotes. c.1064T>C has been reported in the literature in one individual affected with Molybdenum Cofactor Deficiency (Macaya_2005), as well as in one individual affected with Epilepsy (Gorukmez_2023). These reports do not provide unequivocal conclusions about association of the variant with Sulfite Oxidase Deficiency Due To Molybdenum Cofactor Deficiency Type A. To our knowledge, no experimental evidence demonstrating an impact on protein function has been reported. The following publications have been ascertained in the context of this evaluation (PMID: 36964972, 36296488, 16429380, 21031595). ClinVar contains an entry for this variant (Variation ID: 534543). Based on the evidence outlined above, the variant was classified as likely benign.

Mayo Clinic Laboratories, Mayo Clinic
Classification: Uncertain significance. Last evaluated: 2023-05-16. Review status: criteria provided, single submitter. Criteria: ACMG Guidelines, 2015. Collection method: clinical testing. Allele origin: germline. Observed: 2 variant alleles.
Comment: BS1, PP3

Department of Pathology and Laboratory Medicine, Sinai Health System
Classification: Uncertain significance for Sulfite oxidase deficiency due to molybdenum cofactor deficiency type A. Last evaluated: 2022-08-09. Review status: criteria provided, single submitter. Criteria: ACMG Guidelines, 2015. Collection method: research. Allele origin: germline.

Illumina Laboratory Services, Illumina
Classification: Uncertain significance for Sulfite oxidase deficiency due to molybdenum cofactor deficiency type A. Last evaluated: 2017-04-27. Review status: criteria provided, single submitter. Criteria: ICSL Variant Classification Criteria 13 December 2019. Collection method: clinical testing. Allele origin: germline.

PreventionGenetics, part of Exact Sciences
Classification: Likely benign for MOCS1-related condition. Last evaluated: 2024-04-29. Review status: no assertion criteria provided. Collection method: clinical testing. Allele origin: germline. Not counted in ClinVar's aggregate classification.
Comment: This variant is classified as likely benign based on ACMG/AMP sequence variant interpretation guidelines (Richards et al. 2015 PMID: 25741868, with internal and published modifications).

Literature cited by the submitters: PubMed 36964972 (cited by Women's Health and Genetics/Laboratory Corporation of America, LabCorp); PubMed 36296488 (cited by Women's Health and Genetics/Laboratory Corporation of America, LabCorp and Mayo Clinic Laboratories, Mayo Clinic); PubMed 16429380 (cited by Women's Health and Genetics/Laboratory Corporation of America, LabCorp and Mayo Clinic Laboratories, Mayo Clinic); PubMed 21031595 (cited by Women's Health and Genetics/Laboratory Corporation of America, LabCorp and Mayo Clinic Laboratories, Mayo Clinic); PubMed 28900816 (cited by Mayo Clinic Laboratories, Mayo Clinic); PubMed 34426522 (cited by Mayo Clinic Laboratories, Mayo Clinic).

NM_001358530.2(MOCS1):c.1064T>C (p.Ile355Thr)

Gene: MOCS1 (molybdenum cofactor synthesis 1; minus strand). Cytogenetic location: 6p21.2.
Variant type: single nucleotide variant.
Coding change: c.1064T>C on transcript NM_001358530.2 (MANE Select); coding-DNA position 1064, T replaced by C.
Protein change: p.Ile355Thr; replaces isoleucine 355 with threonine.
Molecular consequence: missense variant. On other transcripts: non-coding transcript variant (1).
Genome position (GRCh38, 1-based): chr6:39,909,873, A>G on the plus strand (T>C on the coding strand, the complement: MOCS1 is on the minus strand). VCF-style: chr6-39909873-A-G. GRCh37 (hg19) VCF-style: chr6-39877617-A-G.
Other names: p.Ile355Thr; c.1064T>C, p.Ile355Thr (NM_001075098.4, NM_001358529.2, NM_005943.6); c.803T>C, p.Ile268Thr (NM_001358531.2, NM_001358533.2, NM_001358534.2); short protein forms I355T, I268T.
Identifiers: ClinVar variation 534543 (VCV000534543.45), dbSNP rs143912353, ClinGen allele CA3796063.